The following is an entry in ClinVar:

NM_001378457.1(DMXL2):c.1709C>G (p.Ala570Gly)

Gene: DMXL2 (Dmx like 2; minus strand). Cytogenetic location: 15q21.2.
Variant type: single nucleotide variant.
Coding change: c.1709C>G on transcript NM_001378457.1 (MANE Select); coding-DNA position 1709, C replaced by G.
Protein change: p.Ala570Gly; replaces alanine 570 with glycine.
Molecular consequence: missense variant. On other transcripts: non-coding transcript variant (2).
Genome position (GRCh38, 1-based): chr15:51,536,771, G>C on the plus strand (C>G on the coding strand, the complement: DMXL2 is on the minus strand). VCF-style: chr15-51536771-G-C. GRCh37 (hg19) VCF-style: chr15-51828968-G-C.
Other names: c.1709C>G, p.Ala570Gly (NM_001174116.3, NM_001174117.3, NM_001378458.1 and 6 more transcripts); c.1469C>G, p.Ala490Gly (NM_001378464.1); short protein forms A570G, A490G.
Identifiers: ClinVar variation 1939350 (VCV001939350.2), dbSNP rs371652654, ClinGen allele CA392466810.

ClinVar aggregate classification (germline): Uncertain significance (1 of 4 stars; one submission).

gnomAD v4.1: 2 of 1,613,892 alleles (0.00012%); highest among the groups gnomAD compares: Middle Eastern, 0.033%; no homozygotes.

Submission:

Labcorp Genetics (formerly Invitae), Labcorp
Classification: Uncertain significance. Last evaluated: 2022-08-16. Review status: criteria provided, single submitter. Criteria: Invitae Variant Classification Sherloc (09022015). Collection method: clinical testing. Allele origin: germline.
Comment: This sequence change replaces alanine, which is neutral and non-polar, with glycine, which is neutral and non-polar, at codon 570 of the DMXL2 protein (p.Ala570Gly). This variant is not present in population databases (gnomAD no frequency). This variant has not been reported in the literature in individuals affected with DMXL2-related conditions. Algorithms developed to predict the effect of missense changes on protein structure and function (SIFT, PolyPhen-2, Align-GVGD) all suggest that this variant is likely to be tolerated. In summary, the available evidence is currently insufficient to determine the role of this variant in disease. Therefore, it has been classified as a Variant of Uncertain Significance.